The following is an entry in ClinVar:

ClinVar aggregate classification (germline): Likely benign. Review status: criteria provided, multiple submitters, no conflicts (2 of 4 stars). 3 submissions from 3 submitters: Likely benign (3). Last evaluated 2025-12-08.

Conditions:
Developmental and epileptic encephalopathy, 21 (DEE21). Also called: Early infantile epileptic encephalopathy 21. Identifiers: Orphanet 442835, MedGen C4014430, MONDO:0014360, OMIM 615833.

Allele frequency attached by ClinVar (database versions not stated): gnomAD 0.00007 and 0.00008; TOPMed 0.00008; gnomAD exomes 0.00009 and 0.00015; ExAC 0.00019; ESP Exome Variant Server 0.00023.
gnomAD v4.1: 143 of 1,614,062 alleles (0.0089%); highest among the groups gnomAD compares: Admixed American, 0.012%; no homozygotes.

Submissions (3):

Labcorp Genetics (formerly Invitae), Labcorp
Classification: Likely benign for Developmental and epileptic encephalopathy, 21. Last evaluated: 2025-12-08. Review status: criteria provided, single submitter. Criteria: Invitae Variant Classification Sherloc (09022015). Collection method: clinical testing. Allele origin: germline.

Blueprint Genetics
Classification: Likely benign. Last evaluated: 2024-10-14. Review status: criteria provided, single submitter. Criteria: ACMG Guidelines, 2015. Collection method: clinical testing. Allele origin: germline.

CeGaT Center for Human Genetics Tuebingen
Classification: Likely benign. Last evaluated: 2023-10-01. Review status: criteria provided, single submitter. Criteria: CeGaT Center For Human Genetics Tuebingen Variant Classification Criteria Version 2. Collection method: clinical testing. Allele origin: germline. Affected: yes. Observed: 2 variant alleles.
Comment: NECAP1: BP4, BP7

NM_015509.4(NECAP1):c.114A>G (p.Leu38=)

Gene: NECAP1 (NECAP endocytosis associated 1; plus strand). Cytogenetic location: 12p13.31.
Variant type: single nucleotide variant.
Coding change: c.114A>G on transcript NM_015509.4 (MANE Select); coding-DNA position 114, A replaced by G.
Protein change: p.Leu38=; no amino-acid change (leucine 38 retained).
Molecular consequence: synonymous variant. On other transcripts: non-coding transcript variant (1).
Genome position (GRCh38, 1-based): chr12:8,089,954, A>G. VCF-style: chr12-8089954-A-G. GRCh37 (hg19) VCF-style: chr12-8242550-A-G.
Identifiers: ClinVar variation 771258 (VCV000771258.36), dbSNP rs141295769, ClinGen allele CA6432170.